The following is an entry in ClinVar:

ClinVar aggregate classification (germline): Uncertain significance (1 of 4 stars; one submission).

Conditions:
Familial cold autoinflammatory syndrome 4 (FCAS4). Identifiers: Orphanet 47045, Orphanet 576349, MedGen C4015276, MONDO:0014498, OMIM 616115.
Periodic fever-infantile enterocolitis-autoinflammatory syndrome. Also called: Autoinflammation with infantile enterocolitis. Identifiers: Orphanet 436166, MedGen C4015067, MONDO:0014472, OMIM 616050.

Allele frequency attached by ClinVar (database versions not stated): gnomAD exomes 0.00001; ExAC 0.00001.
gnomAD v4.1: 3 of 1,613,984 alleles (0.00019%); highest among the groups gnomAD compares: South Asian, 0.0033%; no homozygotes.

Submission:

Labcorp Genetics (formerly Invitae), Labcorp
Classification: Uncertain significance for Autoinflammation with infantile enterocolitis; Familial cold autoinflammatory syndrome 4. Last evaluated: 2019-03-11. Review status: criteria provided, single submitter. Criteria: Invitae Variant Classification Sherloc (09022015). Collection method: clinical testing. Allele origin: germline.
Comment: This sequence change replaces leucine with valine at codon 120 of the NLRC4 protein (p.Leu120Val). The leucine residue is highly conserved and there is a small physicochemical difference between leucine and valine. This variant is present in population databases (rs754475682, ExAC 0.006%). This variant has not been reported in the literature in individuals with NLRC4-related conditions. Algorithms developed to predict the effect of missense changes on protein structure and function (SIFT, PolyPhen-2, Align-GVGD) all suggest that this variant is likely to be disruptive, but these predictions have not been confirmed by published functional studies and their clinical significance is uncertain. In summary, the available evidence is currently insufficient to determine the role of this variant in disease. Therefore, it has been classified as a Variant of Uncertain Significance.

NM_001199138.2(NLRC4):c.358C>G (p.Leu120Val)

Gene: NLRC4 (NLR family CARD domain containing 4; minus strand). Cytogenetic location: 2p22.3.
Variant type: single nucleotide variant.
Coding change: c.358C>G on transcript NM_001199138.2 (MANE Select); coding-DNA position 358, C replaced by G.
Protein change: p.Leu120Val; replaces leucine 120 with valine.
Molecular consequence: missense variant. On other transcripts: intron variant (1).
Genome position (GRCh38, 1-based): chr2:32,251,506, G>C on the plus strand (C>G on the coding strand, the complement: NLRC4 is on the minus strand). VCF-style: chr2-32251506-G-C. GRCh37 (hg19) VCF-style: chr2-32476575-G-C.
Other names: c.358C>G, p.Leu120Val (NM_001199139.2, NM_021209.5); c.262+913C>G (NM_001302504.1); short protein forms L120V.
Identifiers: ClinVar variation 851468 (VCV000851468.1), dbSNP rs754475682, ClinGen allele CA1602156.
Genomic context (GRCh38, chr2:32,251,506, plus strand): 5'-ACAGGACAGGTTCTGTGAAGGTGCTTTTCAAGTTAAAAATAATGTCAATATCTTCACCAA[G>C]GGGATAAAAGTTCAGAAAAGATGGGGTATGGTACAAGTCCTTTAAATCCTGAGCCAAATC-3'
Protein context (NP_001186067.1, residues 110-130): HTPSFLNFYP[Leu120Val]GEDIDIIFNL